The following is an entry in ClinVar:

NM_005005.3(NDUFB9):c.523C>T (p.Arg175Trp)

Gene: NDUFB9 (NADH:ubiquinone oxidoreductase subunit B9; plus strand). Cytogenetic location: 8q24.13.
Variant type: single nucleotide variant.
Coding change: c.523C>T on transcript NM_005005.3 (MANE Select); coding-DNA position 523, C replaced by T.
Protein change: p.Arg175Trp; replaces arginine 175 with tryptophan.
Molecular consequence: missense variant.
Genome position (GRCh38, 1-based): chr8:124,549,875, C>T. VCF-style: chr8-124549875-C-T. GRCh37 (hg19) VCF-style: chr8-125562116-C-T.
Other names: c.355C>T, p.Arg119Trp (NM_001278645.2); c.394C>T, p.Arg132Trp (NM_001278646.2); c.490C>T, p.Arg164Trp (NM_001311168.2); short protein forms R119W, R132W, R164W, R175W.
Identifiers: ClinVar variation 1963924 (VCV001963924.5), dbSNP rs745392030, ClinGen allele CA4871605.

ClinVar aggregate classification (germline): Uncertain significance (1 of 4 stars; one submission).

Allele frequency attached by ClinVar (database versions not stated): ExAC 0.00001; gnomAD exomes 0.00002; TOPMed 0.00002.

Submission:

Labcorp Genetics (formerly Invitae), Labcorp
Classification: Uncertain significance. Last evaluated: 2025-04-23. Review status: criteria provided, single submitter. Criteria: Invitae Variant Classification Sherloc (09022015). Collection method: clinical testing. Allele origin: germline.
Comment: This sequence change replaces arginine, which is basic and polar, with tryptophan, which is neutral and slightly polar, at codon 175 of the NDUFB9 protein (p.Arg175Trp). This variant is present in population databases (rs745392030, gnomAD 0.008%). This variant has not been reported in the literature in individuals affected with NDUFB9-related conditions. ClinVar contains an entry for this variant (Variation ID: 1963924). An algorithm developed to predict the effect of missense changes on protein structure and function (PolyPhen-2) suggests that this variant is likely to be tolerated. In summary, the available evidence is currently insufficient to determine the role of this variant in disease. Therefore, it has been classified as a Variant of Uncertain Significance.